The following is an entry in ClinVar:

NM_000037.4(ANK1):c.1276C>T (p.Arg426Trp)

Gene: ANK1 (ankyrin 1; minus strand). Cytogenetic location: 8p11.21.
Variant type: single nucleotide variant.
Coding change: c.1276C>T on transcript NM_000037.4 (MANE Select); coding-DNA position 1276, C replaced by T.
Protein change: p.Arg426Trp; replaces arginine 426 with tryptophan.
Molecular consequence: missense variant.
Genome position (GRCh38, 1-based): chr8:41,717,633, G>A on the plus strand (C>T on the coding strand, the complement: ANK1 is on the minus strand). VCF-style: chr8-41717633-G-A. GRCh37 (hg19) VCF-style: chr8-41575151-G-A.
Other names: p.Arg426Trp; c.1375C>T, p.Arg459Trp (NM_001142446.2); c.1276C>T, p.Arg426Trp (NM_020475.3, NM_020476.3, NM_020477.3); short protein forms R426W, R459W.
Identifiers: ClinVar variation 4077937 (VCV004077937.3).

ClinVar aggregate classification (germline): Uncertain significance. Review status: criteria provided, multiple submitters, no conflicts (2 of 4 stars). 3 submissions from 3 submitters: Uncertain significance (3). Last evaluated 2025-05-26.

Conditions:
Hereditary spherocytosis type 1. Also called: Spherocytosis type 1; ANK1-Related Spherocytosis. Identifiers: Orphanet 822, MedGen C2674218, MONDO:0008447, OMIM 182900.

gnomAD v4.1: 53 of 1,551,612 alleles (0.0034%); highest among the groups gnomAD compares: South Asian, 0.027%; no homozygotes.

Submissions (3):

Revvity Omics, Revvity
Classification: Uncertain significance for Hereditary spherocytosis type 1. Last evaluated: 2025-05-26. Review status: criteria provided, single submitter. Criteria: ACMG Guidelines, 2015. Collection method: clinical testing. Allele origin: germline.

Labcorp Genetics (formerly Invitae), Labcorp
Classification: Uncertain significance. Last evaluated: 2025-05-19. Review status: criteria provided, single submitter. Criteria: Invitae Variant Classification Sherloc (09022015). Collection method: clinical testing. Allele origin: germline.
Comment: This sequence change replaces arginine, which is basic and polar, with tryptophan, which is neutral and slightly polar, at codon 426 of the ANK1 protein (p.Arg426Trp). This variant is present in population databases (rs575994670, gnomAD 0.04%). This variant has not been reported in the literature in individuals affected with ANK1-related conditions. Invitae Evidence Modeling of protein sequence and biophysical properties (such as structural, functional, and spatial information, amino acid conservation, physicochemical variation, residue mobility, and thermodynamic stability) indicates that this missense variant is not expected to disrupt ANK1 protein function with a negative predictive value of 80%. In summary, the available evidence is currently insufficient to determine the role of this variant in disease. Therefore, it has been classified as a Variant of Uncertain Significance.

Mayo Clinic Laboratories, Mayo Clinic
Classification: Uncertain significance. Last evaluated: 2025-04-16. Review status: criteria provided, single submitter. Criteria: ACMG Guidelines, 2015. Collection method: clinical testing. Allele origin: germline. Observed: 1 variant allele.
Comment: PM2_supporting